The following is an entry in ClinVar:

ClinVar aggregate classification (germline): Uncertain significance (1 of 4 stars; one submission).

Conditions:
Hereditary cancer-predisposing syndrome. Also called: Neoplastic Syndromes, Hereditary; Tumor predisposition; Hereditary Cancer Syndrome; Hereditary neoplastic syndrome. Identifiers: Orphanet 140162, MedGen C0027672, MeSH D009386, MONDO:0015356.

Submission:

Ambry Genetics
Classification: Uncertain significance for Hereditary cancer-predisposing syndrome. Last evaluated: 2025-09-18. Review status: criteria provided, single submitter. Criteria: Ambry Variant Classification Scheme 2023. Collection method: clinical testing. Allele origin: germline.
Comment: The p.G869A variant (also known as c.2606G>C), located in coding exon 15 of the ALK gene, results from a G to C substitution at nucleotide position 2606. The glycine at codon 869 is replaced by alanine, an amino acid with similar properties. This amino acid position is conserved. In addition, the in silico prediction for this alteration is inconclusive. Based on the available evidence, the clinical significance of this variant remains unclear.

NM_004304.5(ALK):c.2606G>C (p.Gly869Ala)

Gene: ALK (ALK receptor tyrosine kinase; minus strand). Cytogenetic location: 2p23.2.
Variant type: single nucleotide variant.
Coding change: c.2606G>C on transcript NM_004304.5 (MANE Select); coding-DNA position 2606, G replaced by C.
Protein change: p.Gly869Ala; replaces glycine 869 with alanine.
Molecular consequence: missense variant.
Genome position (GRCh38, 1-based): chr2:29,232,330, C>G on the plus strand (G>C on the coding strand, the complement: ALK is on the minus strand). VCF-style: chr2-29232330-C-G. GRCh37 (hg19) VCF-style: chr2-29455196-C-G.
Other names: short protein forms G869A.
Identifiers: ClinVar variation 4671113 (VCV004671113.1).